The following is an entry in ClinVar:

NM_000147.5(FUCA1):c.1138G>T (p.Glu380Ter)

Gene: FUCA1 (alpha-L-fucosidase 1; minus strand). Cytogenetic location: 1p36.11.
Variant type: single nucleotide variant.
Coding change: c.1138G>T on transcript NM_000147.5 (MANE Select); coding-DNA position 1138, G replaced by T.
Protein change: p.Glu380Ter; replaces glutamic acid 380 with a stop codon.
Molecular consequence: nonsense.
Genome position (GRCh38, 1-based): chr1:23,848,671, C>A on the plus strand (G>T on the coding strand, the complement: FUCA1 is on the minus strand). VCF-style: chr1-23848671-C-A. GRCh37 (hg19) VCF-style: chr1-24175161-C-A.
Other names: FUCA1, GLU375TER; short protein forms E380*.
Identifiers: ClinVar variation 683 (VCV000000683.12), dbSNP rs80358195, ClinGen allele CA114436.

ClinVar aggregate classification (germline): Pathogenic. Review status: criteria provided, multiple submitters, no conflicts (2 of 4 stars). 5 submissions from 5 submitters: Pathogenic (3). 2 of the submissions do not count toward it. Last evaluated 2024-01-14.

Conditions:
Fucosidosis. Also called: ALPHA-L-FUCOSIDASE DEFICIENCY. Identifiers: Orphanet 349, MedGen C0016788, MONDO:0009254, OMIM 230000.

gnomAD v4.1: 4 of 1,614,014 alleles (0.00025%); highest among the groups gnomAD compares: Admixed American, 0.0067%; no homozygotes.

Submissions (5):

Labcorp Genetics (formerly Invitae), Labcorp
Classification: Pathogenic for Fucosidosis. Last evaluated: 2024-01-14. Review status: criteria provided, single submitter. Criteria: Invitae Variant Classification Sherloc (09022015). Collection method: clinical testing. Allele origin: germline.
Comment: This sequence change creates a premature translational stop signal (p.Glu380*) in the FUCA1 gene. It is expected to result in an absent or disrupted protein product. Loss-of-function variants in FUCA1 are known to be pathogenic (PMID: 10094192). This variant is present in population databases (rs80358195, gnomAD 0.006%). This premature translational stop signal has been observed in individual(s) with fucosidosis (PMID: 1281988, 8504303, 8739734). It is commonly reported in individuals of Hispanic-American ancestry (PMID: 1281988, 8504303, 8739734). This variant is also known as Glu375X. ClinVar contains an entry for this variant (Variation ID: 683). Algorithms developed to predict the effect of variants on protein structure and function are not available or were not evaluated for this variant. Experimental studies have shown that this premature translational stop signal affects FUCA1 function (PMID: 1281988). For these reasons, this variant has been classified as Pathogenic.

GeneDx
Classification: Pathogenic. Last evaluated: 2023-03-28. Review status: criteria provided, single submitter. Criteria: GeneDx Variant Classification Process June 2021. Collection method: clinical testing. Allele origin: germline. Affected: yes.
Comment: Not observed at significant frequency in large population cohorts (gnomAD); Nonsense variant predicted to result in protein truncation or nonsense mediated decay in a gene for which loss of function is a known mechanism of disease; This variant is associated with the following publications: (PMID: 25525159, 2803224, 1281988, 8739734, 8504303)

Women's Health and Genetics/Laboratory Corporation of America, LabCorp
Classification: Pathogenic for Fucosidosis. Last evaluated: 2017-08-24. Review status: criteria provided, single submitter. Criteria: LabCorp Variant Classification Summary - May 2015. Collection method: clinical testing. Allele origin: germline.
Comment: Variant summary: The FUCA1 c.1138G>T (p.Glu380X) variant results in a premature termination codon, predicted to cause a truncated or absent FUCA1 protein due to nonsense mediated decay, which are commonly known mechanisms for disease. This variant was found in 1/121368 control chromosomes at a frequency of 0.0000082, which does not exceed the estimated maximal expected allele frequency of a pathogenic FUCA1 variant (0.001118). A publication, Seo_1993, cites the variant in eight Hispanic homozygous FUCO pts. In addition, a reputable database cites the variant as pathogenic. Taken together, this variant is classified as pathogenic.

Solve-RD Consortium
Classification: Likely pathogenic for Fucosidosis. Last evaluated: 2022-06-01. Review status: no assertion criteria provided. Collection method: provider interpretation. Allele origin: inherited. Affected: yes. Not counted in ClinVar's aggregate classification.
Comment: Variant confirmed as disease-causing by referring clinical team

Variant identified during reanalysis of unsolved cases by the Solve-RD project. The Solve-RD project has received funding from the European Union’s Horizon 2020 research and innovation programme under grant agreement No 779257.

OMIM
Classification: Pathogenic for FUCOSIDOSIS. Last evaluated: 1992-12-15. Review status: no assertion criteria provided. Collection method: literature only. Allele origin: germline. Not counted in ClinVar's aggregate classification.

Literature cited by the submitters: PubMed 10094192 (cited by Labcorp Genetics (formerly Invitae), Labcorp); PubMed 1281988 (cited by Labcorp Genetics (formerly Invitae), Labcorp and OMIM); PubMed 8504303 (cited by Labcorp Genetics (formerly Invitae), Labcorp and Women's Health and Genetics/Laboratory Corporation of America, LabCorp); PubMed 8739734 (cited by Labcorp Genetics (formerly Invitae), Labcorp); PubMed 39825153 (cited by Solve-RD Consortium).